The following is an entry in ClinVar:

NM_004656.4(BAP1):c.1664C>T (p.Pro555Leu)

Gene: BAP1 (BRCA1 associated deubiquitinase 1; minus strand). Cytogenetic location: 3p21.1.
Variant type: single nucleotide variant.
Coding change: c.1664C>T on transcript NM_004656.4 (MANE Select); coding-DNA position 1664, C replaced by T.
Protein change: p.Pro555Leu; replaces proline 555 with leucine.
Molecular consequence: missense variant.
Genome position (GRCh38, 1-based): chr3:52,403,481, G>A on the plus strand (C>T on the coding strand, the complement: BAP1 is on the minus strand). VCF-style: chr3-52403481-G-A. GRCh37 (hg19) VCF-style: chr3-52437497-G-A.
Other names: c.1664C>T (NM_004656.2); short protein forms P555L.
Identifiers: ClinVar variation 657477 (VCV000657477.5), dbSNP rs1578220313, ClinGen allele CA353100034.

ClinVar aggregate classification (germline): Conflicting classifications of pathogenicity. Review status: criteria provided, conflicting classifications (1 of 4 stars). 2 submissions from 2 submitters: Uncertain significance (1); Benign (1). Last evaluated 2024-11-25.

Conditions:
BAP1-related tumor predisposition syndrome (TPDS1). Also called: BAP1 tumor predisposition syndrome; COMMON Syndrome; Tumor susceptibility linked to germline BAP1 mutations; TUMOR PREDISPOSITION SYNDROME 1. Identifiers: Orphanet 289539, MedGen C3280492, MONDO:0013692, OMIM 614327.
Hereditary cancer-predisposing syndrome. Also called: Hereditary neoplastic syndrome; Neoplastic Syndromes, Hereditary; Hereditary Cancer Syndrome; Tumor predisposition. Identifiers: Orphanet 140162, MedGen C0027672, MeSH D009386, MONDO:0015356.

Allele frequency attached by ClinVar (database versions not stated): gnomAD exomes below 0.00001.

Submissions (2):

Ambry Genetics
Classification: Benign for Hereditary cancer-predisposing syndrome. Last evaluated: 2024-11-25. Review status: criteria provided, single submitter. Criteria: Ambry Variant Classification Scheme 2023. Collection method: clinical testing. Allele origin: germline.

Labcorp Genetics (formerly Invitae), Labcorp
Classification: Uncertain significance for BAP1-related tumor predisposition syndrome. Last evaluated: 2024-07-10. Review status: criteria provided, single submitter. Criteria: Invitae Variant Classification Sherloc (09022015). Collection method: clinical testing. Allele origin: germline.
Comment: This sequence change replaces proline, which is neutral and non-polar, with leucine, which is neutral and non-polar, at codon 555 of the BAP1 protein (p.Pro555Leu). This variant is not present in population databases (gnomAD no frequency). This variant has not been reported in the literature in individuals affected with BAP1-related conditions. ClinVar contains an entry for this variant (Variation ID: 657477). Advanced modeling of protein sequence and biophysical properties (such as structural, functional, and spatial information, amino acid conservation, physicochemical variation, residue mobility, and thermodynamic stability) performed at Invitae indicates that this missense variant is not expected to disrupt BAP1 protein function with a negative predictive value of 80%. In summary, the available evidence is currently insufficient to determine the role of this variant in disease. Therefore, it has been classified as a Variant of Uncertain Significance.